The following is an entry in ClinVar:

NM_001077365.2(POMT1):c.2004-1G>C

Gene: POMT1 (protein O-mannosyltransferase 1; plus strand). Cytogenetic location: 9q34.13.
Variant type: single nucleotide variant.
Coding change: c.2004-1G>C on transcript NM_001077365.2 (MANE Select); the canonical splice acceptor site of the intron before coding-DNA position 2004, G replaced by C.
Molecular consequence: splice acceptor variant.
Genome position (GRCh38, 1-based): chr9:131,522,931, G>C. VCF-style: chr9-131522931-G-C. GRCh37 (hg19) VCF-style: chr9-134398318-G-C.
Other names: c.1908-1G>C (NM_001353198.2, NM_001353197.2); c.2070-1G>C (NM_001353193.2, NM_007171.4); c.2004-1G>C (NM_001136113.2); c.1842-1G>C (NM_001353194.2, NM_001077366.2); c.1653-1G>C (NM_001374691.1, NM_001353195.2, NM_001374692.1 and 2 more transcripts); c.1785-1G>C (NM_001374690.1); c.1914-1G>C (NM_001353196.2); c.1614-1G>C (NM_001374695.1); and 4 more.
Identifiers: ClinVar variation 195504 (VCV000195504.7), dbSNP rs745738628, ClinGen allele CA278505.

ClinVar aggregate classification (germline): Pathogenic/Likely pathogenic. Review status: criteria provided, multiple submitters, no conflicts (2 of 4 stars). 3 submissions from 3 submitters: Pathogenic (1); Likely pathogenic (2). Last evaluated 2026-10-01.

Conditions:
Muscular dystrophy-dystroglycanopathy (congenital with brain and eye anomalies), type A1 (MDDGA1). Also called: WALKER-WARBURG SYNDROME OR MUSCLE-EYE-BRAIN DISEASE, POMT1-RELATED; Hydrocephalus, agyria and retinal dysplasia; Hard +/- E syndrome; Warburg syndrome; Chemke syndrome; Pagon syndrome. Identifiers: Orphanet 588, Orphanet 899, MedGen C4284790, MONDO:0009364, OMIM 236670.

Allele frequency attached by ClinVar (database versions not stated): gnomAD exomes below 0.00001; TOPMed below 0.00001; gnomAD 0.00003; ExAC 0.00005.
gnomAD v4.1: 6 of 1,585,398 alleles (0.00038%); highest among the groups gnomAD compares: Non-Finnish European, 0.000086%; no homozygotes.

Submissions (3):

Department of Clinical Genetics, Aarhus University Hospital
Classification: Likely pathogenic for Muscular dystrophy-dystroglycanopathy (congenital with brain and eye anomalies), type A1. Last evaluated: 2026-10-01. Review status: criteria provided, single submitter. Criteria: ACMG Guidelines, 2015. Collection method: clinical testing. Allele origin: biparental. Inheritance: Autosomal recessive inheritance. Affected: yes.
Comment: The mechanism for disease is expected to be biallelic loss of function. SpliceAI: predicts a new acceptor site 8 nucleotides in exon 19 thus exon 19 is shortened by 7 basepairs. That causes frameshift with a new stop at position c.2228. PVS1_strong, PM2_supp, PP4_mod.

Baylor Genetics
Classification: Likely pathogenic for Muscular dystrophy-dystroglycanopathy (congenital with brain and eye anomalies), type A1. Last evaluated: 2022-05-29. Review status: criteria provided, single submitter. Criteria: ACMG Guidelines, 2015. Collection method: clinical testing. Allele origin: unknown.

Eurofins Ntd Llc (ga)
Classification: Pathogenic. Last evaluated: 2015-04-17. Review status: criteria provided, single submitter. Criteria: EGL Classification Definitions 2015. Collection method: clinical testing. Allele origin: germline. Observed: 1 variant allele, 1 heterozygote.

Literature cited by the submitters: PubMed 34884967 (cited by Department of Clinical Genetics, Aarhus University Hospital).